The following is an entry in ClinVar:

ClinVar aggregate classification (germline): Uncertain significance (1 of 4 stars; one submission).

Conditions:
Left ventricular noncompaction 8 (LVNC8). Identifiers: Orphanet 154, Orphanet 54260, MedGen C3809288, MONDO:0014152, OMIM 615373.

gnomAD v4.1: 2 of 1,612,368 alleles (0.00012%); highest among the groups gnomAD compares: African/African-American, 0.0027%; no homozygotes.

Submission:

Labcorp Genetics (formerly Invitae), Labcorp
Classification: Uncertain significance for Left ventricular noncompaction 8. Last evaluated: 2024-07-29. Review status: criteria provided, single submitter. Criteria: Invitae Variant Classification Sherloc (09022015). Collection method: clinical testing. Allele origin: germline.
Comment: This sequence change replaces lysine, which is basic and polar, with arginine, which is basic and polar, at codon 783 of the PRDM16 protein (p.Lys783Arg). This variant is not present in population databases (gnomAD no frequency). This variant has not been reported in the literature in individuals affected with PRDM16-related conditions. An algorithm developed to predict the effect of missense changes on protein structure and function (PolyPhen-2) suggests that this variant is likely to be tolerated. In summary, the available evidence is currently insufficient to determine the role of this variant in disease. Therefore, it has been classified as a Variant of Uncertain Significance.

NM_022114.4(PRDM16):c.2348A>G (p.Lys783Arg)

Gene: PRDM16 (PR/SET domain 16; plus strand). Cytogenetic location: 1p36.32.
Variant type: single nucleotide variant.
Coding change: c.2348A>G on transcript NM_022114.4 (MANE Select); coding-DNA position 2348, A replaced by G.
Protein change: p.Lys783Arg; replaces lysine 783 with arginine.
Molecular consequence: missense variant.
Genome position (GRCh38, 1-based): chr1:3,412,545, A>G. VCF-style: chr1-3412545-A-G. GRCh37 (hg19) VCF-style: chr1-3329109-A-G.
Other names: c.2348A>G, p.Lys783Arg (NM_199454.3); short protein forms K783R.
Identifiers: ClinVar variation 3697915 (VCV003697915.2).